The following is an entry in ClinVar:

NM_001904.4(CTNNB1):c.1357C>T (p.Arg453Trp)

Genes: CTNNB1 (catenin beta 1; plus strand), LOC126806659 (BRD4-independent group 4 enhancer GRCh37_chr3:41274918-41276117; plus strand). Cytogenetic location: 3p22.1.
Variant type: single nucleotide variant.
Coding change: c.1357C>T on transcript NM_001904.4 (MANE Select); coding-DNA position 1357, C replaced by T.
Protein change: p.Arg453Trp; replaces arginine 453 with tryptophan.
Molecular consequence: missense variant.
Genome position (GRCh38, 1-based): chr3:41,233,700, C>T. VCF-style: chr3-41233700-C-T. GRCh37 (hg19) VCF-style: chr3-41275191-C-T.
Other names: c.1357C>T, p.Arg453Trp (NM_001098209.2, NM_001098210.2); c.1336C>T, p.Arg446Trp (NM_001330729.2); short protein forms R453W, R446W.
Identifiers: ClinVar variation 1468612 (VCV001468612.8), dbSNP rs770598744, ClinGen allele CA2331070.

ClinVar aggregate classification (germline): Uncertain significance (1 of 4 stars; one submission).

Allele frequency attached by ClinVar (database versions not stated): ExAC 0.00001; gnomAD 0.00001 and 0.00002; gnomAD exomes 0.00001; TOPMed 0.00001.
gnomAD v4.1: 15 of 1,613,946 alleles (0.00093%); highest among the groups gnomAD compares: East Asian, 0.0045%; no homozygotes.

Submission:

Labcorp Genetics (formerly Invitae), Labcorp
Classification: Uncertain significance. Last evaluated: 2023-03-24. Review status: criteria provided, single submitter. Criteria: Invitae Variant Classification Sherloc (09022015). Collection method: clinical testing. Allele origin: germline.
Comment: This sequence change replaces arginine, which is basic and polar, with tryptophan, which is neutral and slightly polar, at codon 453 of the CTNNB1 protein (p.Arg453Trp). This variant is present in population databases (rs770598744, gnomAD 0.008%). This variant has not been reported in the literature in individuals affected with CTNNB1-related conditions. ClinVar contains an entry for this variant (Variation ID: 1468612). Advanced modeling of protein sequence and biophysical properties (such as structural, functional, and spatial information, amino acid conservation, physicochemical variation, residue mobility, and thermodynamic stability) has been performed at Invitae for this missense variant, however the output from this modeling did not meet the statistical confidence thresholds required to predict the impact of this variant on CTNNB1 protein function. In summary, the available evidence is currently insufficient to determine the role of this variant in disease. Therefore, it has been classified as a Variant of Uncertain Significance.